The following is an entry in ClinVar:

NM_016156.6(MTMR2):c.508C>T (p.Arg170Trp)

Gene: MTMR2 (myotubularin related protein 2; minus strand). Cytogenetic location: 11q21.
Variant type: single nucleotide variant.
Coding change: c.508C>T on transcript NM_016156.6 (MANE Select); coding-DNA position 508, C replaced by T.
Protein change: p.Arg170Trp; replaces arginine 170 with tryptophan.
Molecular consequence: missense variant.
Genome position (GRCh38, 1-based): chr11:95,858,593, G>A on the plus strand (C>T on the coding strand, the complement: MTMR2 is on the minus strand). VCF-style: chr11-95858593-G-A. GRCh37 (hg19) VCF-style: chr11-95591757-G-A.
Other names: c.292C>T, p.Arg98Trp (NM_001243571.2, NM_201278.3, NM_201281.3); short protein forms R98W, R170W.
Identifiers: ClinVar variation 948132 (VCV000948132.5), dbSNP rs1419183415, ClinGen allele CA382428526.

ClinVar aggregate classification (germline): Uncertain significance (1 of 4 stars; one submission).

Conditions:
Charcot-Marie-Tooth disease type 4. Also called: Charcot-Marie-Tooth disease, type IV; Charcot-Marie-Tooth, Type 4. Identifiers: Orphanet 64749, MedGen C4082197, MONDO:0018995.

Allele frequency attached by ClinVar (database versions not stated): gnomAD exomes below 0.00001 and 0.00001.
gnomAD v4.1: 15 of 1,612,416 alleles (0.00093%); highest among the groups gnomAD compares: East Asian, 0.0022%; no homozygotes.

Submission:

Labcorp Genetics (formerly Invitae), Labcorp
Classification: Uncertain significance for Charcot-Marie-Tooth disease type 4. Last evaluated: 2021-10-11. Review status: criteria provided, single submitter. Criteria: Invitae Variant Classification Sherloc (09022015). Collection method: clinical testing. Allele origin: germline.
Comment: This sequence change replaces arginine with tryptophan at codon 170 of the MTMR2 protein (p.Arg170Trp). The arginine residue is moderately conserved and there is a moderate physicochemical difference between arginine and tryptophan. This variant is not present in population databases (ExAC no frequency). This variant has not been reported in the literature in individuals affected with MTMR2-related conditions. Algorithms developed to predict the effect of missense changes on protein structure and function are either unavailable or do not agree on the potential impact of this missense change (SIFT: "Tolerated"; PolyPhen-2: "Possibly Damaging"; Align-GVGD: "Class C0"). In summary, the available evidence is currently insufficient to determine the role of this variant in disease. Therefore, it has been classified as a Variant of Uncertain Significance.